The following is an entry in ClinVar:

NM_002834.5(PTPN11):c.1489G>A (p.Val497Met)

Gene: PTPN11 (protein tyrosine phosphatase non-receptor type 11; plus strand). Cytogenetic location: 12q24.13.
Variant type: single nucleotide variant.
Coding change: c.1489G>A on transcript NM_002834.5 (MANE Select); coding-DNA position 1489, G replaced by A.
Protein change: p.Val497Met; replaces valine 497 with methionine.
Molecular consequence: missense variant.
Genome position (GRCh38, 1-based): chr12:112,489,065, G>A. VCF-style: chr12-112489065-G-A. GRCh37 (hg19) VCF-style: chr12-112926869-G-A.
Other names: c.1486G>A, p.Val496Met (NM_001374625.1); c.1501G>A, p.Val501Met (NM_001330437.2); short protein forms V496M, V497M, V501M.
Identifiers: ClinVar variation 1211341 (VCV001211341.3), dbSNP rs2135916214, ClinGen allele CA386779793.

ClinVar aggregate classification (germline): Uncertain significance (1 of 4 stars; one submission).

Submission:

GeneDx
Classification: Uncertain significance. Last evaluated: 2021-02-17. Review status: criteria provided, single submitter. Criteria: GeneDx Variant Classification Process June 2021. Collection method: clinical testing. Allele origin: germline. Affected: yes.
Comment: Not observed in large population cohorts (Lek et al., 2016); The majority of missense variants in this gene are considered pathogenic (Stenson et al., 2014); In silico analysis, which includes protein predictors and evolutionary conservation, supports a deleterious effect; Has not been previously published as pathogenic or benign to our knowledge